The following is an entry in ClinVar:

ClinVar aggregate classification (germline): Uncertain significance (1 of 4 stars; one submission).

Conditions:
Hereditary cancer-predisposing syndrome. Also called: Neoplastic Syndromes, Hereditary; Hereditary Cancer Syndrome; Hereditary neoplastic syndrome; Tumor predisposition. Identifiers: Orphanet 140162, MedGen C0027672, MeSH D009386, MONDO:0015356.

Submission:

Ambry Genetics
Classification: Uncertain significance for Hereditary cancer-predisposing syndrome. Last evaluated: 2016-12-29. Review status: criteria provided, single submitter. Criteria: Ambry Variant Classification Scheme 2023. Collection method: clinical testing. Allele origin: germline.
Comment: The p.V750L variant (also known as c.2248G>C), located in coding exon 11 of the BARD1 gene, results from a G to C substitution at nucleotide position 2248. The valine at codon 750 is replaced by leucine, an amino acid with highly similar properties. This amino acid position is not well conserved in available vertebrate species. In addition, this alteration is predicted to be tolerated by in silico analysis. Since supporting evidence is limited at this time, the clinical significance of this alteration remains unclear.

NM_000465.4(BARD1):c.2248G>C (p.Val750Leu)

Gene: BARD1 (BRCA1 associated RING domain 1; minus strand). Cytogenetic location: 2q35.
Variant type: single nucleotide variant.
Coding change: c.2248G>C on transcript NM_000465.4 (MANE Select); coding-DNA position 2248, G replaced by C.
Protein change: p.Val750Leu; replaces valine 750 with leucine.
Molecular consequence: missense variant. On other transcripts: non-coding transcript variant (3).
Genome position (GRCh38, 1-based): chr2:214,728,762, C>G on the plus strand (G>C on the coding strand, the complement: BARD1 is on the minus strand). VCF-style: chr2-214728762-C-G. GRCh37 (hg19) VCF-style: chr2-215593486-C-G.
Other names: c.2191G>C, p.Val731Leu (NM_001282543.2); c.895G>C, p.Val299Leu (NM_001282545.2); c.838G>C, p.Val280Leu (NM_001282548.2); c.709G>C, p.Val237Leu (NM_001282549.2); short protein forms V750L, V237L, V280L, V299L, V731L.
Identifiers: ClinVar variation 479128 (VCV000479128.5), dbSNP rs34677017, ClinGen allele CA350449996.
Genomic context (GRCh38, chr2:214,728,762, plus strand): 5'-AGGACATCACACAGTCTATAAACCAGCTCGAAGGAGCCTTCCAGACTTTGCCCTGCCGAA[C>G]CCTCTCTGGGTGATAATTACACAAATCTTCATAGATGATATACTGTGTGCAGAAGCGCTG-3'
Protein context (NP_000456.2, residues 740-760): EDLCNYHPER[Val750Leu]RQGKVWKAPS